The following is an entry in ClinVar:

ClinVar aggregate classification (germline): Uncertain significance (1 of 4 stars; one submission).

Conditions:
Mowat-Wilson syndrome (MOWS). Also called: Classic Mowat-Wilson Syndrome. Identifiers: Orphanet 2152, MedGen C1856113, MONDO:0009341, OMIM 235730.

Allele frequency attached by ClinVar (database versions not stated): gnomAD exomes 0.00001.
gnomAD v4.1: 13 of 1,614,114 alleles (0.00081%); highest among the groups gnomAD compares: Non-Finnish European, 0.0011%; no homozygotes.

Submission:

Labcorp Genetics (formerly Invitae), Labcorp
Classification: Uncertain significance for Mowat-Wilson syndrome. Last evaluated: 2020-04-28. Review status: criteria provided, single submitter. Criteria: Invitae Variant Classification Sherloc (09022015). Collection method: clinical testing. Allele origin: germline.
Comment: In summary, the available evidence is currently insufficient to determine the role of this variant in disease. Therefore, it has been classified as a Variant of Uncertain Significance. Algorithms developed to predict the effect of missense changes on protein structure and function are either unavailable or do not agree on the potential impact of this missense change (SIFT: "Tolerated"; PolyPhen-2: "Possibly Damaging"; Align-GVGD: "Class C0"). This variant has not been reported in the literature in individuals with ZEB2-related conditions. This variant is not present in population databases (ExAC no frequency). This sequence change replaces tyrosine with histidine at codon 652 of the ZEB2 protein (p.Tyr652His). The tyrosine residue is highly conserved and there is a moderate physicochemical difference between tyrosine and histidine.

NM_014795.4(ZEB2):c.1954T>C (p.Tyr652His)

Gene: ZEB2 (zinc finger E-box binding homeobox 2; minus strand). Cytogenetic location: 2q22.3.
Variant type: single nucleotide variant.
Coding change: c.1954T>C on transcript NM_014795.4 (MANE Select); coding-DNA position 1954, T replaced by C.
Protein change: p.Tyr652His; replaces tyrosine 652 with histidine.
Molecular consequence: missense variant.
Genome position (GRCh38, 1-based): chr2:144,399,233, A>G on the plus strand (T>C on the coding strand, the complement: ZEB2 is on the minus strand). VCF-style: chr2-144399233-A-G. GRCh37 (hg19) VCF-style: chr2-145156800-A-G.
Other names: c.1882T>C, p.Tyr628His (NM_001171653.2); short protein forms Y628H, Y652H.
Identifiers: ClinVar variation 1062186 (VCV001062186.9), dbSNP rs1295293400, ClinGen allele CA348709568.
Genomic context (GRCh38, chr2:144,399,233, plus strand): 5'-CGGAGTTGGGCTCCATGTTCATAGCATAGTATGCTTTGAGTACAGACATGTGGTCCTTGT[A>G]TGGGTTGATGGGGCTTGTCATTCCTTTCTCAGAAAGTACAGATGACAAGAGGAGGGCTTT-3'
Protein context (NP_055610.1, residues 642-662): EKGMTSPINP[Tyr652His]KDHMSVLKAY